The following is an entry in ClinVar:

NM_022455.5(NSD1):c.4231A>C (p.Lys1411Gln)

Gene: NSD1 (nuclear receptor binding SET domain protein 1; plus strand). Cytogenetic location: 5q35.3.
Variant type: single nucleotide variant.
Coding change: c.4231A>C on transcript NM_022455.5 (MANE Select); coding-DNA position 4231, A replaced by C.
Protein change: p.Lys1411Gln; replaces lysine 1411 with glutamine.
Molecular consequence: missense variant.
Genome position (GRCh38, 1-based): chr5:177,239,794, A>C. VCF-style: chr5-177239794-A-C. GRCh37 (hg19) VCF-style: chr5-176666795-A-C.
Other names: c.3358A>C, p.Lys1120Gln (NM_001365684.2, NM_001409306.1, NM_001409307.1 and 3 more transcripts); c.4231A>C, p.Lys1411Gln (NM_001409301.1, NM_001409302.1, NM_001409303.1); c.3811A>C, p.Lys1271Gln (NM_001409304.1); c.3478A>C, p.Lys1160Gln (NM_001409305.1); short protein forms K1271Q, K1411Q, K1120Q, K1160Q.
Identifiers: ClinVar variation 3730642 (VCV003730642.2).

ClinVar aggregate classification (germline): Uncertain significance (1 of 4 stars; one submission).

gnomAD v4.1: 2 of 1,613,108 alleles (0.00012%); highest among the groups gnomAD compares: African/African-American, 0.0027%; no homozygotes.

Submission:

Labcorp Genetics (formerly Invitae), Labcorp
Classification: Uncertain significance. Last evaluated: 2023-02-13. Review status: criteria provided, single submitter. Criteria: Invitae Variant Classification Sherloc (09022015). Collection method: clinical testing. Allele origin: germline.
Comment: This variant is not present in population databases (gnomAD no frequency). This sequence change replaces lysine, which is basic and polar, with glutamine, which is neutral and polar, at codon 1411 of the NSD1 protein (p.Lys1411Gln). This variant has not been reported in the literature in individuals affected with NSD1-related conditions. Advanced modeling of protein sequence and biophysical properties (such as structural, functional, and spatial information, amino acid conservation, physicochemical variation, residue mobility, and thermodynamic stability) performed at Invitae indicates that this missense variant is expected to disrupt NSD1 protein function. In summary, the available evidence is currently insufficient to determine the role of this variant in disease. Therefore, it has been classified as a Variant of Uncertain Significance.